The following is an entry in ClinVar:

NM_000136.3(FANCC):c.705C>T (p.Pro235=)

Genes: AOPEP (aminopeptidase O (putative); plus strand), FANCC (FA complementation group C; minus strand). Cytogenetic location: 9q22.32.
Variant type: single nucleotide variant.
Coding change: c.705C>T on transcript NM_000136.3 (MANE Select); coding-DNA position 705, C replaced by T.
Protein change: p.Pro235=; no amino-acid change (proline 235 retained).
Molecular consequence: synonymous variant.
Genome position (GRCh38, 1-based): chr9:95,135,484, G>A on the plus strand (C>T on the coding strand, the complement: FANCC is on the minus strand). VCF-style: chr9-95135484-G-A. GRCh37 (hg19) VCF-style: chr9-97897766-G-A.
Other names: p.P235P:CCC>CCT; c.705C>T, p.Pro235= (NM_001243743.2, NM_001243744.2).
Identifiers: ClinVar variation 137276 (VCV000137276.53), dbSNP rs141828876, ClinGen allele CA290812.
Genomic context (GRCh38, chr9:95,135,484, plus strand): 5'-CAGCATTGCTTTTTCAAGGCTGGGAAGGTGCCGAAGCCAGAGGCAGACTACAGCTGACAT[G>A]GGGAGAGAAATCTTCTTCCTTTCAGAAAGAAATAAACAAAATTTTAAACAGAAATGGCTC-3'
Protein context (NP_000127.2, residues 225-245): EAILLKKISL[Pro235=]MSAVVCLWLR

ClinVar aggregate classification (germline): Conflicting classifications of pathogenicity. Review status: criteria provided, conflicting classifications (1 of 4 stars). 16 submissions from 16 submitters: Uncertain significance (1); Benign (2); Likely benign (7). 6 of the submissions do not count toward it. Last evaluated 2026-07-01.

Conditions:
FANCC-related disorder. Also called: FANCC-related condition.
Hereditary cancer-predisposing syndrome. Also called: Neoplastic Syndromes, Hereditary; Tumor predisposition; Hereditary neoplastic syndrome; Hereditary Cancer Syndrome. Identifiers: Orphanet 140162, MedGen C0027672, MeSH D009386, MONDO:0015356.
Fanconi anemia (FA). Also called: Fanconi's anemia. Identifiers: Orphanet 84, MedGen C0015625, MeSH D005199, MONDO:0019391.
Fanconi anemia complementation group C (FANCC). Also called: FANCC-Related Fanconi Anemia; FANCONI PANCYTOPENIA, TYPE 3; FACC; Fanconi anemia, group C. Identifiers: Orphanet 84, MedGen C3468041, MONDO:0009213, OMIM 227645.
Malignant tumor of breast. Also called: Malignant breast neoplasm; Cancer breast. Identifiers: MedGen C0006142, MONDO:0007254. Disease mechanism: loss of function.

Allele frequency attached by ClinVar (database versions not stated): 1000 Genomes Project 0.00020; ExAC 0.00025; 1000 Genomes Project 30x 0.00031; gnomAD exomes 0.00031 and 0.00088; gnomAD 0.00044 and 0.00046; TOPMed 0.00049; ESP Exome Variant Server 0.00069.
gnomAD v4.1: 1,316 of 1,613,924 alleles (0.082%); highest among the groups gnomAD compares: Non-Finnish European, 0.11%; 1 homozygote.

Submissions (16):

CeGaT Center for Human Genetics Tuebingen
Classification: Likely benign. Last evaluated: 2026-07-01. Review status: criteria provided, single submitter. Criteria: CeGaT Center For Human Genetics Tuebingen Variant Classification Criteria Version 2. Collection method: clinical testing. Allele origin: germline. Affected: yes. Observed: 2 variant alleles.
Comment: FANCC: BP4, BP7

Labcorp Genetics (formerly Invitae), Labcorp
Classification: Likely benign for Fanconi anemia. Last evaluated: 2026-02-01. Review status: criteria provided, single submitter. Criteria: Invitae Variant Classification Sherloc (09022015). Collection method: clinical testing. Allele origin: germline.

Laboratory of Genetics, Children's Clinical University Hospital Latvia
Classification: Benign. Last evaluated: 2025-02-16. Review status: criteria provided, single submitter. Criteria: ACMG Guidelines, 2015. Collection method: clinical testing. Allele origin: germline. Affected: yes.

Blueprint Genetics
Classification: Likely benign. Last evaluated: 2024-10-03. Review status: criteria provided, single submitter. Criteria: ACMG Guidelines, 2015. Collection method: clinical testing. Allele origin: germline.

Women's Health and Genetics/Laboratory Corporation of America, LabCorp
Classification: Likely benign. Last evaluated: 2022-04-28. Review status: criteria provided, single submitter. Criteria: LabCorp Variant Classification Summary - May 2015. Collection method: clinical testing. Allele origin: germline.

Sema4
Classification: Likely benign for Fanconi anemia. Last evaluated: 2021-10-14. Review status: criteria provided, single submitter. Criteria: Sema4 Curation Guidelines. Collection method: curation. Allele origin: germline.

Genetic Services Laboratory, University of Chicago
Classification: Likely benign. Last evaluated: 2020-09-18. Review status: criteria provided, single submitter. Criteria: ACMG Guidelines, 2015. Collection method: clinical testing. Allele origin: germline. Affected: no.

Illumina Laboratory Services, Illumina
Classification: Uncertain significance for Fanconi anemia complementation group C. Last evaluated: 2018-01-13. Review status: criteria provided, single submitter. Criteria: ICSL Variant Classification Criteria 13 December 2019. Collection method: clinical testing. Allele origin: germline.

Ambry Genetics
Classification: Likely benign for Hereditary cancer-predisposing syndrome. Last evaluated: 2017-01-25. Review status: criteria provided, single submitter. Criteria: Ambry Variant Classification Scheme 2023. Collection method: clinical testing. Allele origin: germline.

GeneDx
Classification: Benign. Last evaluated: 2013-10-30. Review status: criteria provided, single submitter. Criteria: GeneDx Variant Classification (06012015). Collection method: clinical testing. Allele origin: germline. Affected: yes.
Comment: This variant is considered likely benign or benign based on one or more of the following criteria: it is a conservative change, it occurs at a poorly conserved position in the protein, it is predicted to be benign by multiple in silico algorithms, and/or has population frequency not consistent with disease.

Leiden Open Variation Database
Classification: Uncertain significance. Last evaluated: 2020-02-28. Review status: no assertion criteria provided. Collection method: curation. Allele origin: germline. Affected: yes. Not counted in ClinVar's aggregate classification.
Comment: Curator: Arleen D. Auerbach. Submitter to LOVD: Arleen D. Auerbach.

Natera, Inc.
Classification: Likely benign for Fanconi anemia, group C. Last evaluated: 2019-08-02. Review status: no assertion criteria provided. Collection method: clinical testing. Allele origin: germline. Not counted in ClinVar's aggregate classification.

PreventionGenetics, part of Exact Sciences
Classification: Likely benign for FANCC-related condition. Last evaluated: 2019-03-20. Review status: no assertion criteria provided. Collection method: clinical testing. Allele origin: germline. Not counted in ClinVar's aggregate classification.
Comment: This variant is classified as likely benign based on ACMG/AMP sequence variant interpretation guidelines (Richards et al. 2015 PMID: 25741868, with internal and published modifications).

Clinical Genetics DNA and cytogenetics Diagnostics Lab, Erasmus MC, Erasmus Medical Center
Classification: Likely benign. Review status: no assertion criteria provided. Collection method: clinical testing. Allele origin: germline. Affected: yes. Study: VKGL Data-share Consensus. Not counted in ClinVar's aggregate classification.

Department of Pathology and Laboratory Medicine, Sinai Health System
Classification: Likely benign for Malignant tumor of breast. Review status: no assertion criteria provided. Collection method: clinical testing. Allele origin: unknown. Affected: yes. Study: The Canadian Open Genetics Repository (COGR). Not counted in ClinVar's aggregate classification.
Comment: The FANCC p.Pro235= variant was not identified in the literature. The variant was identified in dbSNP (ID: rs141828876) as With other allele, ClinVar (classified as benign by GeneDx; classified as likely benign by Invitae, Ambry Genetics), and LOVD 3.0 (likely benign). The variant was identified in control databases in 88 of 277010 chromosomes at a frequency of 0.0003 increasing the likelihood this could be a low frequency benign variant (Genome Aggregation Database Feb 27, 2017). It was observed in the following populations: African in 5 of 24014 chromosomes (freq: 0.0002), Other in 2 of 6468 chromosomes (freq: 0.0003), Latino in 3 of 34402 chromosomes (freq: 0.0001), European Non-Finnish in 78 of 126580 chromosomes (freq: 0.001); it was not observed in the Ashkenazi Jewish, East Asian, European Finnish, and South Asian populations. The p.Pro235= variant is not expected to have clinical significance because it does not result in a change of amino acid and is not located in a known consensus splice site. The variant occurs outside of the splicing consensus sequence and 1 of 5 in silico or computational prediction software programs (SpliceSiteFinder, MaxEntScan, NNSPLICE, GeneSplicer, HumanSpliceFinder) predict a greater than 10% difference in splicing; this is not very predictive of pathogenicity. In summary, based on the above information, the clinical significance of this variant cannot be determined with certainty at this time although we would lean towards a more benign role for this variant. This variant is classified as likely benign.

Genome Diagnostics Laboratory, Amsterdam University Medical Center
Classification: Likely benign. Review status: no assertion criteria provided. Collection method: clinical testing. Allele origin: germline. Affected: yes. Study: VKGL Data-share Consensus. Not counted in ClinVar's aggregate classification.

Literature cited by the submitters: PubMed 23028338 (cited by Women's Health and Genetics/Laboratory Corporation of America, LabCorp); PubMed 15695377 (cited by Leiden Open Variation Database).